The following is an entry in ClinVar:

NM_015030.2(FRYL):c.860C>G (p.Pro287Arg)

Gene: FRYL (FRY like transcription coactivator; minus strand). Cytogenetic location: 4p11.
Variant type: single nucleotide variant.
Coding change: c.860C>G on transcript NM_015030.2 (MANE Select); coding-DNA position 860, C replaced by G.
Protein change: p.Pro287Arg; replaces proline 287 with arginine.
Molecular consequence: missense variant.
Genome position (GRCh38, 1-based): chr4:48,603,363, G>C on the plus strand (C>G on the coding strand, the complement: FRYL is on the minus strand). VCF-style: chr4-48603363-G-C. GRCh37 (hg19) VCF-style: chr4-48605380-G-C.
Other names: short protein forms P287R.
Identifiers: ClinVar variation 3342664 (VCV003342664.1).
Genomic context (GRCh38, chr4:48,603,363, plus strand): 5'-TTTCTCGAGCTCAGTTCAAAAGTAGTCTGATAAAGCATCTCCACAAAATTTTTCAAACAG[G>C]GAACATTCACTTCATTTTTAACAGCCTAGTAAAAAGATAATGCAAACAAAGAAAATGATA-3'
Protein context (NP_055845.1, residues 277-297): AAAVKNEVNV[Pro287Arg]CLKNFVEMLY

ClinVar aggregate classification (germline): Uncertain significance (1 of 4 stars; one submission).

gnomAD v4.1: 1 of 1,610,034 alleles (0.000062%); highest among the groups gnomAD compares: East Asian, 0.0022%; no homozygotes.

Submission:

GeneDx
Classification: Uncertain significance. Last evaluated: 2022-10-13. Review status: criteria provided, single submitter. Criteria: GeneDx Variant Classification Process June 2021. Collection method: clinical testing. Allele origin: germline. Affected: yes.
Comment: Not observed at significant frequency in large population cohorts (gnomAD); In silico analysis supports that this missense variant has a deleterious effect on protein structure/function; Has not been previously published as pathogenic or benign to our knowledge; Variants in candidate genes are classified as variants of uncertain significance in accordance with ACMG guidelines (Richards et al., 2015)